The following is an entry in ClinVar:

ClinVar aggregate classification (germline): Benign (1 of 4 stars; one submission).

Allele frequency attached by ClinVar (database versions not stated): gnomAD exomes 0.34094; ExAC 0.35423; ESP Exome Variant Server 0.37544; gnomAD 0.38020; TOPMed 0.38215; 1000 Genomes Project 30x 0.40334; 1000 Genomes Project 0.40655.
gnomAD v4.1: 555,326 of 1,610,364 alleles (34%); highest among the groups gnomAD compares: African/African-American, 49%; 97,385 homozygotes.

Submission:

Unidad de Genómica Garrahan, Hospital de Pediatría Garrahan
Classification: Benign. Last evaluated: 2024-01-24. Review status: criteria provided, single submitter. Criteria: ACMG Guidelines, 2015. Collection method: clinical testing. Allele origin: germline. Affected: no. Observed: 58 variant alleles.
Comment: This variant is classified as Benign based on local population frequency. This variant was detected in 66% of patients studied by a panel of primary immunodeficiencies. Number of patients: 58. Only high quality variants are reported.

NM_002198.3(IRF1):c.545-7T>C

Genes: IRF1 (interferon regulatory factor 1; minus strand), LOC126807508 (CDK7 strongly-dependent group 2 enhancer GRCh37_chr5:131821689-131822888; plus strand). Cytogenetic location: 5q31.1.
Variant type: single nucleotide variant.
Coding change: c.545-7T>C on transcript NM_002198.3 (MANE Select); 7 bases into the intron before coding-DNA position 545, T replaced by C.
Molecular consequence: intron variant.
Genome position (GRCh38, 1-based): chr5:132,486,380, A>G on the plus strand (T>C on the coding strand, the complement: IRF1 is on the minus strand). VCF-style: chr5-132486380-A-G. GRCh37 (hg19) VCF-style: chr5-131822072-A-G.
Other names: c.544+177T>C (NM_001354924.1); c.545-7T>C (NM_001354925.1).
Identifiers: ClinVar variation 2688381 (VCV002688381.2), dbSNP rs2070724, ClinGen allele CA3404541.